The following is an entry in ClinVar:

NM_001111125.3(IQSEC2):c.1892C>T (p.Thr631Ile)

Gene: IQSEC2 (IQ motif and Sec7 domain ArfGEF 2; minus strand). Cytogenetic location: Xp11.22.
Variant type: single nucleotide variant.
Coding change: c.1892C>T on transcript NM_001111125.3 (MANE Select); coding-DNA position 1892, C replaced by T.
Protein change: p.Thr631Ile; replaces threonine 631 with isoleucine.
Molecular consequence: missense variant.
Genome position (GRCh38, 1-based): chrX:53,250,684, G>A on the plus strand (C>T on the coding strand, the complement: IQSEC2 is on the minus strand). VCF-style: chrX-53250684-G-A. GRCh37 (hg19) VCF-style: chrX-53279866-G-A.
Other names: c.1892C>T, p.Thr631Ile (NM_001410736.1); c.1277C>T, p.Thr426Ile (NM_015075.2); short protein forms T426I, T631I.
Identifiers: ClinVar variation 2826799 (VCV002826799.3), dbSNP rs2519802563, ClinGen allele CA413162944.

ClinVar aggregate classification (germline): Uncertain significance (1 of 4 stars; one submission).

Conditions:
Intellectual developmental disorder, X-linked 1. Also called: Atkin Flaitz Patil Smith syndrome; Intellectual disability, X-linked 1; MENTAL RETARDATION, X-LINKED 18; MENTAL RETARDATION, X-LINKED 78. Identifiers: Orphanet 777, MedGen C2931498, MONDO:0010656, OMIM 309530.

Submission:

Labcorp Genetics (formerly Invitae), Labcorp
Classification: Uncertain significance for Intellectual developmental disorder, X-linked 1. Last evaluated: 2024-10-16. Review status: criteria provided, single submitter. Criteria: Invitae Variant Classification Sherloc (09022015). Collection method: clinical testing. Allele origin: germline.
Comment: This sequence change replaces threonine, which is neutral and polar, with isoleucine, which is neutral and non-polar, at codon 631 of the IQSEC2 protein (p.Thr631Ile). This variant is not present in population databases (gnomAD no frequency). This variant has not been reported in the literature in individuals affected with IQSEC2-related conditions. Invitae Evidence Modeling of protein sequence and biophysical properties (such as structural, functional, and spatial information, amino acid conservation, physicochemical variation, residue mobility, and thermodynamic stability) indicates that this missense variant is not expected to disrupt IQSEC2 protein function with a negative predictive value of 95%. In summary, the available evidence is currently insufficient to determine the role of this variant in disease. Therefore, it has been classified as a Variant of Uncertain Significance.